The following is an entry in ClinVar:

NM_001005242.3(PKP2):c.278T>G (p.Val93Gly)

Gene: PKP2 (plakophilin 2; minus strand). Cytogenetic location: 12p11.21.
Variant type: single nucleotide variant.
Coding change: c.278T>G on transcript NM_001005242.3 (MANE Select); coding-DNA position 278, T replaced by G.
Protein change: p.Val93Gly; replaces valine 93 with glycine.
Molecular consequence: missense variant.
Genome position (GRCh38, 1-based): chr12:32,878,978, A>C on the plus strand (T>G on the coding strand, the complement: PKP2 is on the minus strand). VCF-style: chr12-32878978-A-C. GRCh37 (hg19) VCF-style: chr12-33031912-A-C.
Other names: c.278T>G, p.Val93Gly (NM_004572.4); short protein forms V93G.
Identifiers: ClinVar variation 1519643 (VCV001519643.6), dbSNP rs2137952929, ClinGen allele CA384366574.

ClinVar aggregate classification (germline): Uncertain significance (1 of 4 stars; one submission).

Conditions:
Arrhythmogenic right ventricular dysplasia 9 (ARVD9). Also called: Arrhythmogenic Right Ventricular Dysplasia/Cardiomyopathy 9; ARRHYTHMOGENIC RIGHT VENTRICULAR DYSPLASIA, FAMILIAL, 9. Identifiers: MedGen C1836906, MONDO:0012180, OMIM 609040.

Submission:

Labcorp Genetics (formerly Invitae), Labcorp
Classification: Uncertain significance for Arrhythmogenic right ventricular dysplasia 9. Last evaluated: 2023-12-07. Review status: criteria provided, single submitter. Criteria: Invitae Variant Classification Sherloc (09022015). Collection method: clinical testing. Allele origin: germline.
Comment: This sequence change replaces valine, which is neutral and non-polar, with glycine, which is neutral and non-polar, at codon 93 of the PKP2 protein (p.Val93Gly). This variant is not present in population databases (gnomAD no frequency). This variant has not been reported in the literature in individuals affected with PKP2-related conditions. ClinVar contains an entry for this variant (Variation ID: 1519643). An algorithm developed to predict the effect of missense changes on protein structure and function (PolyPhen-2) suggests that this variant is likely to be disruptive. In summary, the available evidence is currently insufficient to determine the role of this variant in disease. Therefore, it has been classified as a Variant of Uncertain Significance.